The following is an entry in ClinVar:

ClinVar aggregate classification (germline): Pathogenic (1 of 4 stars; one submission).

Conditions:
Retinoblastoma (RB1). Also called: RETINOBLASTOMA, SOMATIC. Identifiers: Orphanet 790, MedGen C0035335, MeSH D012175, MONDO:0008380, OMIM 180200, HP:0009919. Disease mechanism: loss of function. Inheritance: Both sporadic and heritable forms are tested..

Submission:

Labcorp Genetics (formerly Invitae), Labcorp
Classification: Pathogenic for Retinoblastoma. Last evaluated: 2023-06-04. Review status: criteria provided, single submitter. Criteria: Invitae Variant Classification Sherloc (09022015). Collection method: clinical testing. Allele origin: germline.
Comment: For these reasons, this variant has been classified as Pathogenic. A similar copy number variant has been observed in individual(s) with retinoblastoma (PMID: 15884040, 18181215). This variant is a gross deletion of the genomic region encompassing exon(s) 20 of the RB1 gene. This deletion is out-of-frame, and is expected to create a premature termination codon and result in an absent or disrupted protein product. Loss-of-function variants in RB1 are known to be pathogenic (PMID: 17096365).

Literature cited by the submitters: PubMed 15884040; PubMed 18181215; PubMed 17096365.

NC_000013.11:g.(?_48459678)_(48459843_?)del

Gene: RB1 (RB transcriptional corepressor 1; plus strand). Cytogenetic location: 13q14.2.
Variant type: Deletion.
Identifiers: ClinVar variation 831231 (VCV000831231.3).